The following is an entry in ClinVar:

ClinVar aggregate classification (germline): Likely benign (1 of 4 stars; one submission).

Allele frequency attached by ClinVar (database versions not stated): gnomAD exomes 0.00015; 1000 Genomes Project 0.00519; ExAC 0.01188.

Submission:

CeGaT Center for Human Genetics Tuebingen
Classification: Likely benign. Last evaluated: 2025-01-01. Review status: criteria provided, single submitter. Criteria: CeGaT Center For Human Genetics Tuebingen Variant Classification Criteria Version 2. Collection method: clinical testing. Allele origin: germline. Affected: yes. Observed: 3 variant alleles.
Comment: AHNAK2: BP4, BP7

NM_138420.4(AHNAK2):c.6435C>T (p.Asp2145=)

Gene: AHNAK2 (AHNAK nucleoprotein 2; minus strand). Cytogenetic location: 14q32.33.
Variant type: single nucleotide variant.
Coding change: c.6435C>T on transcript NM_138420.4 (MANE Select); coding-DNA position 6435, C replaced by T.
Protein change: p.Asp2145=; no amino-acid change (aspartic acid 2145 retained).
Molecular consequence: synonymous variant.
Genome position (GRCh38, 1-based): chr14:104,949,016, G>A on the plus strand (C>T on the coding strand, the complement: AHNAK2 is on the minus strand). VCF-style: chr14-104949016-G-A. GRCh37 (hg19) VCF-style: chr14-105415353-G-A.
Other names: c.6135C>T, p.Asp2045= (NM_001350929.2).
Identifiers: ClinVar variation 2644739 (VCV002644739.24), dbSNP rs547494146, ClinGen allele CA7381161.